The following is an entry in ClinVar:

ClinVar aggregate classification (germline): Uncertain significance (1 of 4 stars; one submission).

Conditions:
Retinoblastoma (RB1). Also called: RETINOBLASTOMA, SOMATIC. Identifiers: Orphanet 790, MedGen C0035335, MeSH D012175, MONDO:0008380, OMIM 180200, HP:0009919. Disease mechanism: loss of function. Inheritance: Both sporadic and heritable forms are tested..

Submission:

Labcorp Genetics (formerly Invitae), Labcorp
Classification: Uncertain significance for Retinoblastoma. Last evaluated: 2025-12-09. Review status: criteria provided, single submitter. Criteria: Invitae Variant Classification Sherloc (09022015). Collection method: clinical testing. Allele origin: germline.
Comment: This variant occurs in a non-coding region of the RB1 gene. It does not change the encoded amino acid sequence of the RB1 protein. Information on the frequency of this variant in the gnomAD database is not available, as this variant may be reported differently in the database. This variant has not been reported in the literature in individuals affected with RB1-related conditions. Experimental studies and prediction algorithms are not available or were not evaluated, and the functional significance of this variant is currently unknown. In summary, the available evidence is currently insufficient to determine the role of this variant in disease. Therefore, it has been classified as a Variant of Uncertain Significance.

NC_000013.11:g.48303678_48303679delinsTT

Genes: RB1 (RB transcriptional corepressor 1; plus strand), RB1-DT (RB1 divergent transcript; minus strand). Cytogenetic location: 13q14.2.
Variant type: Indel.
Molecular consequence: non-coding transcript variant (on NR_046414.2).
Genome position: GRCh38 VCF-style: chr13-48303678-GC-TT. GRCh37 (hg19) VCF-style: chr13-48877814-GC-TT.
Identifiers: ClinVar variation 3705555 (VCV003705555.2).